The following is an entry in ClinVar:

ClinVar aggregate classification (germline): Likely pathogenic (1 of 4 stars; one submission).

Conditions:
Myopathy with abnormal lipid metabolism. Also called: Lipid storage myopathy due to flavin adenine dinucleotide synthetase deficiency. Identifiers: MedGen C4310822, MONDO:0009703, OMIM 255100.

Submission:

Juno Genomics, Hangzhou Juno Genomics, Inc
Classification: Likely pathogenic for Myopathy with abnormal lipid metabolism. Review status: criteria provided, single submitter. Criteria: ACMG Guidelines, 2015. Collection method: clinical testing. Allele origin: germline.
Comment: Absent from controls (or at extremely low frequency if recessive) in Genome Aggregation Database.;Null variant in a gene where loss of function (LOF) is a known mechanism of disease.

NM_025207.5(FLAD1):c.233del (p.Leu78fs)

Gene: FLAD1 (flavin adenine dinucleotide synthetase 1; plus strand). Cytogenetic location: 1q21.3.
Variant type: Deletion.
Coding change: c.233del on transcript NM_025207.5 (MANE Select); coding-DNA position 233, one base deleted (T; older notation c.233delT).
Protein change: p.Leu78fs; shifts the reading frame from leucine 78.
Molecular consequence: frameshift variant. On other transcripts: 5 prime UTR variant (3).
Genome position (GRCh38, 1-based): chr1:154,983,927, T deleted. VCF-style (leftmost placement, unchanged base first): chr1-154983926-CT-C. GRCh37 (hg19) VCF-style: chr1-154956402-CT-C.
Other names: c.-59del (NM_001184891.2, NM_201398.3); c.-704del (NM_001184892.2); short protein forms L78fs.
Identifiers: ClinVar variation 5019444 (VCV005019444.2).